The following is an entry in ClinVar:

NM_001271.4(CHD2):c.4434C>T (p.Pro1478=)

Gene: CHD2 (chromodomain helicase DNA binding protein 2; plus strand). Cytogenetic location: 15q26.1.
Variant type: single nucleotide variant.
Coding change: c.4434C>T on transcript NM_001271.4 (MANE Select); coding-DNA position 4434, C replaced by T.
Protein change: p.Pro1478=; no amino-acid change (proline 1478 retained).
Molecular consequence: synonymous variant.
Genome position (GRCh38, 1-based): chr15:93,009,165, C>T. VCF-style: chr15-93009165-C-T. GRCh37 (hg19) VCF-style: chr15-93552395-C-T.
Identifiers: ClinVar variation 391227 (VCV000391227.10), dbSNP rs199572989, ClinGen allele CA7748477.

ClinVar aggregate classification (germline): Likely benign. Review status: criteria provided, multiple submitters, no conflicts (2 of 4 stars). 2 submissions from 2 submitters: Likely benign (2). Last evaluated 2024-08-19.

Conditions:
Developmental and epileptic encephalopathy 94 (DEE94). Also called: Epileptic encephalopathy, childhood-onset; CHD2-Related Neurodevelopmental Disorders. Identifiers: Orphanet 1942, Orphanet 2382, MedGen C3809278, MONDO:0014150, OMIM 615369.

Allele frequency attached by ClinVar (database versions not stated): TOPMed 0.00003; 1000 Genomes Project 30x 0.00016; 1000 Genomes Project 0.00020.
gnomAD v4.1: 37 of 1,614,042 alleles (0.0023%); highest among the groups gnomAD compares: African/African-American, 0.0053%; no homozygotes.

Submissions (2):

Labcorp Genetics (formerly Invitae), Labcorp
Classification: Likely benign for Developmental and epileptic encephalopathy 94. Last evaluated: 2024-08-19. Review status: criteria provided, single submitter. Criteria: Invitae Variant Classification Sherloc (09022015). Collection method: clinical testing. Allele origin: germline.

GeneDx
Classification: Likely benign. Last evaluated: 2016-11-25. Review status: criteria provided, single submitter. Criteria: GeneDx Variant Classification (06012015). Collection method: clinical testing. Allele origin: germline. Affected: yes.
Comment: This variant is considered likely benign or benign based on one or more of the following criteria: it is a conservative change, it occurs at a poorly conserved position in the protein, it is predicted to be benign by multiple in silico algorithms, and/or has population frequency not consistent with disease.